The following is an entry in ClinVar:

ClinVar aggregate classification (germline): Uncertain significance (1 of 4 stars; one submission).

Submission:

Labcorp Genetics (formerly Invitae), Labcorp
Classification: Uncertain significance. Last evaluated: 2023-06-12. Review status: criteria provided, single submitter. Criteria: Invitae Variant Classification Sherloc (09022015). Collection method: clinical testing. Allele origin: germline.
Comment: This variant is not present in population databases (gnomAD no frequency). In summary, the available evidence is currently insufficient to determine the role of this variant in disease. Therefore, it has been classified as a Variant of Uncertain Significance. Advanced modeling of protein sequence and biophysical properties (such as structural, functional, and spatial information, amino acid conservation, physicochemical variation, residue mobility, and thermodynamic stability) performed at Invitae indicates that this missense variant is expected to disrupt SMAD2 protein function. This variant has not been reported in the literature in individuals affected with SMAD2-related conditions. This sequence change replaces asparagine, which is neutral and polar, with lysine, which is basic and polar, at codon 387 of the SMAD2 protein (p.Asn387Lys).

NM_005901.6(SMAD2):c.1161C>G (p.Asn387Lys)

Gene: SMAD2 (SMAD family member 2; minus strand). Cytogenetic location: 18q21.1.
Variant type: single nucleotide variant.
Coding change: c.1161C>G on transcript NM_005901.6 (MANE Select); coding-DNA position 1161, C replaced by G.
Protein change: p.Asn387Lys; replaces asparagine 387 with lysine.
Molecular consequence: missense variant.
Genome position (GRCh38, 1-based): chr18:47,845,459, G>C on the plus strand (C>G on the coding strand, the complement: SMAD2 is on the minus strand). VCF-style: chr18-47845459-G-C. GRCh37 (hg19) VCF-style: chr18-45371830-G-C.
Other names: c.1161C>G, p.Asn387Lys (NM_001003652.4); c.1071C>G, p.Asn357Lys (NM_001135937.3); short protein forms N387K, N357K.
Identifiers: ClinVar variation 2755823 (VCV002755823.3), dbSNP rs2144288062, ClinGen allele CA402503820.